The following is an entry in ClinVar:

NM_001244926.2(PRPF4):c.70G>T (p.Val24Leu)

Gene: PRPF4 (pre-mRNA splicing tri-snRNP complex factor PRPF4; plus strand). Cytogenetic location: 9q32.
Variant type: single nucleotide variant.
Coding change: c.70G>T on transcript NM_001244926.2 (MANE Select); coding-DNA position 70, G replaced by T.
Protein change: p.Val24Leu; replaces valine 24 with leucine.
Molecular consequence: missense variant. On other transcripts: 5 prime UTR variant (2), non-coding transcript variant (2).
Genome position (GRCh38, 1-based): chr9:113,276,590, G>T. VCF-style: chr9-113276590-G-T. GRCh37 (hg19) VCF-style: chr9-116038870-G-T.
Other names: c.-696G>T (NM_001322266.2, NM_001322267.2); c.73G>T, p.Val25Leu (NM_004697.5); short protein forms V24L, V25L.
Identifiers: ClinVar variation 2238813 (VCV002238813.3), dbSNP rs1255759813, ClinGen allele CA374551248.

ClinVar aggregate classification (germline): Uncertain significance. Review status: criteria provided, multiple submitters, no conflicts (2 of 4 stars). 2 submissions from 2 submitters: Uncertain significance (2). Last evaluated 2025-09-08.

Allele frequency attached by ClinVar (database versions not stated): gnomAD 0.00002; gnomAD exomes 0.00001; TOPMed 0.00002.

Submissions (2):

Labcorp Genetics (formerly Invitae), Labcorp
Classification: Uncertain significance. Last evaluated: 2025-09-08. Review status: criteria provided, single submitter. Criteria: Invitae Variant Classification Sherloc (09022015). Collection method: clinical testing. Allele origin: germline.
Comment: This sequence change replaces valine, which is neutral and non-polar, with leucine, which is neutral and non-polar, at codon 25 of the PRPF4 protein (p.Val25Leu). This variant is present in population databases (no rsID available, gnomAD 0.0009%). This variant has not been reported in the literature in individuals affected with PRPF4-related conditions. ClinVar contains an entry for this variant (Variation ID: 2238813). An algorithm developed to predict the effect of missense changes on protein structure and function (PolyPhen-2) suggests that this variant is likely to be tolerated. In summary, the available evidence is currently insufficient to determine the role of this variant in disease. Therefore, it has been classified as a Variant of Uncertain Significance.

Ambry Genetics
Classification: Uncertain significance. Last evaluated: 2021-07-20. Review status: criteria provided, single submitter. Criteria: Ambry Variant Classification Scheme 2023. Collection method: clinical testing. Allele origin: germline.